The following is an entry in ClinVar:

ClinVar aggregate classification (germline): Uncertain significance (1 of 4 stars; one submission).

Allele frequency attached by ClinVar (database versions not stated): gnomAD exomes 0.00002; gnomAD 0.00003; TOPMed 0.00004; ExAC 0.00005.
gnomAD v4.1: 38 of 1,613,748 alleles (0.0024%); highest among the groups gnomAD compares: Non-Finnish European, 0.00042%; no homozygotes.

Submission:

CeGaT Center for Human Genetics Tuebingen
Classification: Uncertain significance. Last evaluated: 2024-03-01. Review status: criteria provided, single submitter. Criteria: CeGaT Center For Human Genetics Tuebingen Variant Classification Criteria Version 2. Collection method: clinical testing. Allele origin: germline. Affected: yes. Observed: 1 variant allele.
Comment: DCDC1: PM2, BP4

NM_001387274.1(DCDC1):c.4822C>A (p.Gln1608Lys)

Gene: DCDC1 (doublecortin domain containing 1; minus strand). Cytogenetic location: 11p14.1.
Variant type: single nucleotide variant.
Coding change: c.4822C>A on transcript NM_001387274.1 (MANE Select); coding-DNA position 4822, C replaced by A.
Protein change: p.Gln1608Lys; replaces glutamine 1608 with lysine.
Molecular consequence: missense variant.
Genome position (GRCh38, 1-based): chr11:30,894,328, G>T on the plus strand (C>A on the coding strand, the complement: DCDC1 is on the minus strand). VCF-style: chr11-30894328-G-T. GRCh37 (hg19) VCF-style: chr11-30915875-G-T.
Other names: c.4813C>A, p.Gln1605Lys (NM_001367979.1); c.1567C>A, p.Gln523Lys (NM_001387275.1); c.2134C>A, p.Gln712Lys (NM_020869.4); short protein forms Q1605K, Q1608K, Q523K, Q712K.
Identifiers: ClinVar variation 3067374 (VCV003067374.21), dbSNP rs751637043, ClinGen allele CA5931417.